The following is an entry in ClinVar:

ClinVar aggregate classification (germline): Uncertain significance (1 of 4 stars; one submission).

Conditions:
Hypertrophic cardiomyopathy. Also called: HYPERTROPHIC MYOCARDIOPATHY. Identifiers: Orphanet 217569, MedGen C0007194, MeSH D002312, MONDO:0005045, HP:0001639.

gnomAD v4.1: 1 of 1,614,120 alleles (0.000062%); highest among the groups gnomAD compares: African/African-American, 0.0013%; no homozygotes.

Submission:

Labcorp Genetics (formerly Invitae), Labcorp
Classification: Uncertain significance for Hypertrophic cardiomyopathy. Last evaluated: 2021-06-16. Review status: criteria provided, single submitter. Criteria: Invitae Variant Classification Sherloc (09022015). Collection method: clinical testing. Allele origin: germline.
Comment: Algorithms developed to predict the effect of missense changes on protein structure and function are either unavailable or do not agree on the potential impact of this missense change (SIFT: "Deleterious"; PolyPhen-2: "Probably Damaging"; Align-GVGD: "Class C0"). In summary, the available evidence is currently insufficient to determine the role of this variant in disease. Therefore, it has been classified as a Variant of Uncertain Significance. This variant is found within a region of MYH7 between codons 181 and 937 that contains the majority of the myosin head domain. Missense variants in this region have been shown to be significantly overrepresented in individuals with hypertrophic cardiomyopathy (PMID: 27532257). This variant has not been reported in the literature in individuals with MYH7-related conditions. This variant is not present in population databases (ExAC no frequency). This sequence change replaces phenylalanine with leucine at codon 230 of the MYH7 protein (p.Phe230Leu). The phenylalanine residue is highly conserved and there is a small physicochemical difference between phenylalanine and leucine.

Literature cited by the submitters: PubMed 27532257.

NM_000257.4(MYH7):c.690T>G (p.Phe230Leu)

Gene: MYH7 (myosin heavy chain 7; minus strand). Cytogenetic location: 14q11.2.
Variant type: single nucleotide variant.
Coding change: c.690T>G on transcript NM_000257.4 (MANE Select); coding-DNA position 690, T replaced by G.
Protein change: p.Phe230Leu; replaces phenylalanine 230 with leucine.
Molecular consequence: missense variant.
Genome position (GRCh38, 1-based): chr14:23,431,627, A>C on the plus strand (T>G on the coding strand, the complement: MYH7 is on the minus strand). VCF-style: chr14-23431627-A-C. GRCh37 (hg19) VCF-style: chr14-23900836-A-C.
Other names: short protein forms F230L.
Identifiers: ClinVar variation 1477833 (VCV001477833.8), dbSNP rs1892945237, ClinGen allele CA389052250.